The following is an entry in ClinVar:

NM_006531.5(IFT88):c.1424T>C (p.Ile475Thr)

Gene: IFT88 (intraflagellar transport 88; plus strand). Cytogenetic location: 13q12.11.
Variant type: single nucleotide variant.
Coding change: c.1424T>C on transcript NM_006531.5 (MANE Select); coding-DNA position 1424, T replaced by C.
Protein change: p.Ile475Thr; replaces isoleucine 475 with threonine.
Molecular consequence: missense variant. On other transcripts: non-coding transcript variant (4).
Genome position (GRCh38, 1-based): chr13:20,638,369, T>C. VCF-style: chr13-20638369-T-C. GRCh37 (hg19) VCF-style: chr13-21212508-T-C.
Other names: c.1451T>C (NM_175605.3); c.1367T>C, p.Ile456Thr (NM_001318491.2, NM_001353575.2); c.1451T>C, p.Ile484Thr (NM_001318493.2, NM_001353565.2, NM_001353566.2 and 2 more transcripts); c.1424T>C, p.Ile475Thr (NM_001353568.2, NM_001353572.2); c.1349T>C, p.Ile450Thr (NM_001353569.2, NM_001353570.2, NM_001353576.2 and 1 more transcripts); c.1322T>C, p.Ile441Thr (NM_001353571.2, NM_001353578.2); c.1280T>C, p.Ile427Thr (NM_001353573.2); c.1265T>C, p.Ile422Thr (NM_001353574.2); and 1 more; short protein forms I264T, I422T, I427T, I441T, I450T, I475T, I484T, I456T.
Identifiers: ClinVar variation 1469072 (VCV001469072.7), dbSNP rs369442351, ClinGen allele CA6905417.

ClinVar aggregate classification (germline): Uncertain significance. Review status: criteria provided, multiple submitters, no conflicts (2 of 4 stars). 2 submissions from 2 submitters: Uncertain significance (2). Last evaluated 2023-05-17.

Allele frequency attached by ClinVar (database versions not stated): gnomAD 0.00001; ESP Exome Variant Server 0.00008; TOPMed 0.00001; ExAC 0.00002.
gnomAD v4.1: 9 of 1,449,690 alleles (0.00062%); highest among the groups gnomAD compares: South Asian, 0.0034%; no homozygotes.

Submissions (2):

Ambry Genetics
Classification: Uncertain significance. Last evaluated: 2023-05-17. Review status: criteria provided, single submitter. Criteria: Ambry Variant Classification Scheme 2023. Collection method: clinical testing. Allele origin: germline.

Labcorp Genetics (formerly Invitae), Labcorp
Classification: Uncertain significance. Last evaluated: 2021-10-11. Review status: criteria provided, single submitter. Criteria: Invitae Variant Classification Sherloc (09022015). Collection method: clinical testing. Allele origin: germline.
Comment: Algorithms developed to predict the effect of missense changes on protein structure and function are either unavailable or do not agree on the potential impact of this missense change (SIFT: "Not Available"; PolyPhen-2: "Benign"; Align-GVGD: "Not Available"). This sequence change replaces isoleucine with threonine at codon 484 of the IFT88 protein (p.Ile484Thr). The isoleucine residue is weakly conserved and there is a moderate physicochemical difference between isoleucine and threonine. This variant is present in population databases (rs369442351, gnomAD 0.006%). This variant has not been reported in the literature in individuals affected with IFT88-related conditions. In summary, the available evidence is currently insufficient to determine the role of this variant in disease. Therefore, it has been classified as a Variant of Uncertain Significance.